The following is an entry in ClinVar:

ClinVar aggregate classification (germline): Benign/Likely benign. Review status: criteria provided, multiple submitters, no conflicts (2 of 4 stars). 7 submissions from 7 submitters: Benign (2); Likely benign (2). 3 of the submissions do not count toward it. Last evaluated 2026-01-29.

Conditions:
CAPN5-related disorder. Also called: CAPN5-related condition.

Allele frequency attached by ClinVar (database versions not stated): 1000 Genomes Project 30x 0.00125; 1000 Genomes Project 0.00140; ESP Exome Variant Server 0.00223; gnomAD 0.00256 and 0.00260; TOPMed 0.00264; ExAC 0.00293; gnomAD exomes 0.00309 and 0.00358.
gnomAD v4.1: 5,612 of 1,613,368 alleles (0.35%); highest among the groups gnomAD compares: Middle Eastern, 0.44%; 13 homozygotes.

Submissions (7):

Labcorp Genetics (formerly Invitae), Labcorp
Classification: Benign. Last evaluated: 2026-01-29. Review status: criteria provided, single submitter. Criteria: Invitae Variant Classification Sherloc (09022015). Collection method: clinical testing. Allele origin: germline.

CeGaT Center for Human Genetics Tuebingen
Classification: Likely benign. Last evaluated: 2025-07-01. Review status: criteria provided, single submitter. Criteria: CeGaT Center For Human Genetics Tuebingen Variant Classification Criteria Version 2. Collection method: clinical testing. Allele origin: germline. Affected: yes. Observed: 2 variant alleles.
Comment: CAPN5: BP4, BP7, BS2

Blueprint Genetics
Classification: Likely benign. Last evaluated: 2024-11-27. Review status: criteria provided, single submitter. Criteria: ACMG Guidelines, 2015. Collection method: clinical testing. Allele origin: germline.

Breakthrough Genomics
Classification: Benign. Review status: criteria provided, single submitter. Criteria: ACMG Guidelines, 2015. Collection method: not provided. Allele origin: germline. Inheritance: Autosomal dominant inheritance. Affected: yes.

PreventionGenetics, part of Exact Sciences
Classification: Likely benign for CAPN5-related condition. Last evaluated: 2019-06-10. Review status: no assertion criteria provided. Collection method: clinical testing. Allele origin: germline. Not counted in ClinVar's aggregate classification.
Comment: This variant is classified as likely benign based on ACMG/AMP sequence variant interpretation guidelines (Richards et al. 2015 PMID: 25741868, with internal and published modifications).

Clinical Genetics DNA and cytogenetics Diagnostics Lab, Erasmus MC, Erasmus Medical Center
Classification: Likely benign. Review status: no assertion criteria provided. Collection method: clinical testing. Allele origin: germline. Affected: yes. Study: VKGL Data-share Consensus. Not counted in ClinVar's aggregate classification.

Clinical Genetics, Academic Medical Center
Classification: Benign. Review status: no assertion criteria provided. Collection method: clinical testing. Allele origin: germline. Affected: yes. Study: VKGL Data-share Consensus. Not counted in ClinVar's aggregate classification.

NM_004055.5(CAPN5):c.804A>G (p.Leu268=)

Gene: CAPN5 (calpain 5; plus strand). Cytogenetic location: 11q13.5.
Variant type: single nucleotide variant.
Coding change: c.804A>G on transcript NM_004055.5 (MANE Select); coding-DNA position 804, A replaced by G.
Protein change: p.Leu268=; no amino-acid change (leucine 268 retained).
Molecular consequence: synonymous variant.
Genome position (GRCh38, 1-based): chr11:77,115,499, A>G. VCF-style: chr11-77115499-A-G. GRCh37 (hg19) VCF-style: chr11-76826545-A-G.
Identifiers: ClinVar variation 710966 (VCV000710966.40), dbSNP rs143460583, ClinGen allele CA6196564.